The following is an entry in ClinVar:

NM_004304.5(ALK):c.3226C>T (p.Pro1076Ser)

Gene: ALK (ALK receptor tyrosine kinase; minus strand). Cytogenetic location: 2p23.2.
Variant type: single nucleotide variant.
Coding change: c.3226C>T on transcript NM_004304.5 (MANE Select); coding-DNA position 3226, C replaced by T.
Protein change: p.Pro1076Ser; replaces proline 1076 with serine.
Molecular consequence: missense variant.
Genome position (GRCh38, 1-based): chr2:29,223,475, G>A on the plus strand (C>T on the coding strand, the complement: ALK is on the minus strand). VCF-style: chr2-29223475-G-A. GRCh37 (hg19) VCF-style: chr2-29446341-G-A.
Other names: c.22C>T, p.Pro8Ser (NM_001353765.2); short protein forms P8S, P1076S.
Identifiers: ClinVar variation 4040801 (VCV004040801.1).

ClinVar aggregate classification (germline): Uncertain significance (1 of 4 stars; one submission).

Conditions:
Hereditary cancer-predisposing syndrome. Also called: Neoplastic Syndromes, Hereditary; Tumor predisposition; Hereditary neoplastic syndrome; Hereditary Cancer Syndrome. Identifiers: Orphanet 140162, MedGen C0027672, MeSH D009386, MONDO:0015356.

Submission:

Ambry Genetics
Classification: Uncertain significance for Hereditary cancer-predisposing syndrome. Last evaluated: 2025-04-28. Review status: criteria provided, single submitter. Criteria: Ambry Variant Classification Scheme 2023. Collection method: clinical testing. Allele origin: germline.
Comment: The p.P1076S variant (also known as c.3226C>T), located in coding exon 20 of the ALK gene, results from a C to T substitution at nucleotide position 3226. The proline at codon 1076 is replaced by serine, an amino acid with similar properties. This amino acid position is conserved. In addition, the in silico prediction for this alteration is inconclusive. Based on the available evidence, the clinical significance of this variant remains unclear.